The following is an entry in ClinVar:

NM_004360.5(CDH1):c.1357C>A (p.His453Asn)

Gene: CDH1 (cadherin 1; plus strand). Cytogenetic location: 16q22.1.
Variant type: single nucleotide variant.
Coding change: c.1357C>A on transcript NM_004360.5 (MANE Select); coding-DNA position 1357, C replaced by A.
Protein change: p.His453Asn; replaces histidine 453 with asparagine.
Molecular consequence: missense variant. On other transcripts: 5 prime UTR variant (2).
Genome position (GRCh38, 1-based): chr16:68,815,551, C>A. VCF-style: chr16-68815551-C-A. GRCh37 (hg19) VCF-style: chr16-68849454-C-A.
Other names: c.1357C>A (LRG_301t1); c.1174C>A, p.His392Asn (NM_001317184.2); c.-192C>A (NM_001317185.2); c.-463C>A (NM_001317186.2); short protein forms H453N, H392N.
Identifiers: ClinVar variation 660935 (VCV000660935.11), dbSNP rs1597897817, ClinGen allele CA396462766.

ClinVar aggregate classification (germline): Conflicting classifications of pathogenicity. Review status: criteria provided, conflicting classifications (1 of 4 stars). 2 submissions from 2 submitters: Uncertain significance (1); Likely benign (1). Last evaluated 2026-05-15.

Conditions:
Hereditary cancer-predisposing syndrome. Also called: Tumor predisposition; Hereditary Cancer Syndrome; Neoplastic Syndromes, Hereditary; Hereditary neoplastic syndrome. Identifiers: Orphanet 140162, MedGen C0027672, MeSH D009386, MONDO:0015356.
Hereditary diffuse gastric adenocarcinoma (HDGC). Also called: DIFFUSE GASTRIC AND LOBULAR BREAST CANCER SYNDROME. Identifiers: Orphanet 26106, MedGen C1708349, MONDO:0007648, OMIM 137215.

Submissions (2):

Ambry Genetics
Classification: Likely benign for Hereditary cancer-predisposing syndrome. Last evaluated: 2026-05-15. Review status: criteria provided, single submitter. Criteria: Ambry Variant Classification Scheme 2023. Collection method: clinical testing. Allele origin: germline.

Labcorp Genetics (formerly Invitae), Labcorp
Classification: Uncertain significance for Hereditary diffuse gastric adenocarcinoma. Last evaluated: 2024-04-02. Review status: criteria provided, single submitter. Criteria: Invitae Variant Classification Sherloc (09022015). Collection method: clinical testing. Allele origin: germline.
Comment: This sequence change replaces histidine, which is basic and polar, with asparagine, which is neutral and polar, at codon 453 of the CDH1 protein (p.His453Asn). This variant is not present in population databases (gnomAD no frequency). This variant has not been reported in the literature in individuals affected with CDH1-related conditions. ClinVar contains an entry for this variant (Variation ID: 660935). An algorithm developed to predict the effect of missense changes on protein structure and function (PolyPhen-2) suggests that this variant is likely to be tolerated. In summary, the available evidence is currently insufficient to determine the role of this variant in disease. Therefore, it has been classified as a Variant of Uncertain Significance.